The following is an entry in ClinVar:

ClinVar aggregate classification (germline): Uncertain significance. Review status: criteria provided, multiple submitters, no conflicts (2 of 4 stars). 2 submissions from 2 submitters: Uncertain significance (2). Last evaluated 2026-05-30.

Conditions:
Hereditary cancer-predisposing syndrome. Also called: Neoplastic Syndromes, Hereditary; Tumor predisposition; Hereditary Cancer Syndrome; Hereditary neoplastic syndrome. Identifiers: Orphanet 140162, MedGen C0027672, MeSH D009386, MONDO:0015356.

Submissions (2):

Ambry Genetics
Classification: Uncertain significance for Hereditary cancer-predisposing syndrome. Last evaluated: 2026-05-30. Review status: criteria provided, single submitter. Criteria: Ambry Variant Classification Scheme 2023. Collection method: clinical testing. Allele origin: germline.
Comment: The p.V591L variant (also known as c.1771G>C), located in coding exon 12 of the CTNNA1 gene, results from a G to C substitution at nucleotide position 1771. The valine at codon 591 is replaced by leucine, an amino acid with highly similar properties. This amino acid position is conserved. In addition, this alteration is predicted to be tolerated by in silico analysis. Based on the available evidence, the clinical significance of this variant remains unclear.

Labcorp Genetics (formerly Invitae), Labcorp
Classification: Uncertain significance. Last evaluated: 2022-02-22. Review status: criteria provided, single submitter. Criteria: Invitae Variant Classification Sherloc (09022015). Collection method: clinical testing. Allele origin: germline.
Comment: Algorithms developed to predict the effect of missense changes on protein structure and function (SIFT, PolyPhen-2, Align-GVGD) all suggest that this variant is likely to be tolerated. In summary, the available evidence is currently insufficient to determine the role of this variant in disease. Therefore, it has been classified as a Variant of Uncertain Significance. This variant has not been reported in the literature in individuals affected with CTNNA1-related conditions. This variant is not present in population databases (gnomAD no frequency). This sequence change replaces valine, which is neutral and non-polar, with leucine, which is neutral and non-polar, at codon 591 of the CTNNA1 protein (p.Val591Leu).

NM_001903.5(CTNNA1):c.1771G>C (p.Val591Leu)

Gene: CTNNA1 (catenin alpha 1; plus strand). Cytogenetic location: 5q31.2.
Variant type: single nucleotide variant.
Coding change: c.1771G>C on transcript NM_001903.5 (MANE Select); coding-DNA position 1771, G replaced by C.
Protein change: p.Val591Leu; replaces valine 591 with leucine.
Molecular consequence: missense variant.
Genome position (GRCh38, 1-based): chr5:138,925,279, G>C. VCF-style: chr5-138925279-G-C. GRCh37 (hg19) VCF-style: chr5-138260968-G-C.
Other names: c.1771G>C, p.Val591Leu (NM_001290307.3, NM_001323982.2, NM_001323983.1 and 2 more transcripts); c.1462G>C, p.Val488Leu (NM_001290309.3); c.1402G>C, p.Val468Leu (NM_001290310.3); c.661G>C, p.Val221Leu (NM_001290312.1, NM_001323987.1, NM_001323988.1 and 17 more transcripts); c.1678G>C, p.Val560Leu (NM_001323986.2); c.322G>C, p.Val108Leu (NM_001324006.1, NM_001324007.1, NM_001324008.1 and 2 more transcripts); c.568G>C, p.Val190Leu (NM_001324011.1); c.418G>C, p.Val140Leu (NM_001324012.1, NM_001324013.1); and 1 more; short protein forms V468L, V488L, V108L, V140L, V560L, V591L, V190L, V221L.
Identifiers: ClinVar variation 2102179 (VCV002102179.5), dbSNP rs540697892, ClinGen allele CA361132172.